The following is an entry in ClinVar:

ClinVar aggregate classification (germline): Uncertain significance. Review status: criteria provided, multiple submitters, no conflicts (2 of 4 stars). 2 submissions from 2 submitters: Uncertain significance (2). Last evaluated 2025-10-05.

Conditions:
Multiple endocrine neoplasia type 4. Also called: MULTIPLE ENDOCRINE NEOPLASIA, TYPE IV. Identifiers: Orphanet 276152, MedGen C1970712, MONDO:0012552, OMIM 610755.
Hereditary cancer-predisposing syndrome. Also called: Neoplastic Syndromes, Hereditary; Hereditary neoplastic syndrome; Hereditary Cancer Syndrome; Tumor predisposition. Identifiers: Orphanet 140162, MedGen C0027672, MeSH D009386, MONDO:0015356.

Allele frequency attached by ClinVar (database versions not stated): gnomAD exomes below 0.00001.
gnomAD v4.1: 2 of 1,614,156 alleles (0.00012%); highest among the groups gnomAD compares: Non-Finnish European, 0.00017%; no homozygotes.

Submissions (2):

Ambry Genetics
Classification: Uncertain significance for Hereditary cancer-predisposing syndrome. Last evaluated: 2025-10-05. Review status: criteria provided, single submitter. Criteria: Ambry Variant Classification Scheme 2023. Collection method: clinical testing. Allele origin: germline.
Comment: The p.P24R variant (also known as c.71C>G), located in coding exon 1 of the CDKN1B gene, results from a C to G substitution at nucleotide position 71. The proline at codon 24 is replaced by arginine, an amino acid with dissimilar properties. This amino acid position is conserved. In addition, the in silico prediction for this alteration is inconclusive. Based on the available evidence, the clinical significance of this variant remains unclear.

Labcorp Genetics (formerly Invitae), Labcorp
Classification: Uncertain significance for Multiple endocrine neoplasia type 4. Last evaluated: 2022-08-28. Review status: criteria provided, single submitter. Criteria: Invitae Variant Classification Sherloc (09022015). Collection method: clinical testing. Allele origin: germline.
Comment: In summary, the available evidence is currently insufficient to determine the role of this variant in disease. Therefore, it has been classified as a Variant of Uncertain Significance. Algorithms developed to predict the effect of missense changes on protein structure and function (SIFT, PolyPhen-2, Align-GVGD) all suggest that this variant is likely to be disruptive. This variant has not been reported in the literature in individuals affected with CDKN1B-related conditions. This variant is not present in population databases (gnomAD no frequency). This sequence change replaces proline, which is neutral and non-polar, with arginine, which is basic and polar, at codon 24 of the CDKN1B protein (p.Pro24Arg).

NM_004064.5(CDKN1B):c.71C>G (p.Pro24Arg)

Gene: CDKN1B (cyclin dependent kinase inhibitor 1B; plus strand). Cytogenetic location: 12p13.1.
Variant type: single nucleotide variant.
Coding change: c.71C>G on transcript NM_004064.5 (MANE Select); coding-DNA position 71, C replaced by G.
Protein change: p.Pro24Arg; replaces proline 24 with arginine.
Molecular consequence: missense variant.
Genome position (GRCh38, 1-based): chr12:12,717,910, C>G. VCF-style: chr12-12717910-C-G. GRCh37 (hg19) VCF-style: chr12-12870844-C-G.
Other names: c.71C>G (NM_004064.3); short protein forms P24R.
Identifiers: ClinVar variation 2149967 (VCV002149967.5), dbSNP rs2497403916, ClinGen allele CA383968323.
Genomic context (GRCh38, chr12:12,717,910, plus strand): 5'-TGCGAGTGTCTAACGGGAGCCCTAGCCTGGAGCGGATGGACGCCAGGCAGGCGGAGCACC[C>G]CAAGCCCTCGGCCTGCAGGAACCTCTTCGGCCCGGTGGACCACGAAGAGTTAACCCGGGA-3'
Protein context (NP_004055.1, residues 14-34): ERMDARQAEH[Pro24Arg]KPSACRNLFG